The following is an entry in ClinVar:

ClinVar aggregate classification (germline): Likely benign. Review status: criteria provided, multiple submitters, no conflicts (2 of 4 stars). 2 submissions from 2 submitters: Likely benign (2). Last evaluated 2024-08-22.

Allele frequency attached by ClinVar (database versions not stated): ExAC 0.00001; gnomAD 0.00001; 1000 Genomes Project 0.00020.
gnomAD v4.1: 27 of 1,589,470 alleles (0.0017%); highest among the groups gnomAD compares: Middle Eastern, 0.05%; no homozygotes.

Submissions (2):

Blueprint Genetics
Classification: Likely benign. Last evaluated: 2024-08-22. Review status: criteria provided, single submitter. Criteria: ACMG Guidelines, 2015. Collection method: clinical testing. Allele origin: germline.

CeGaT Center for Human Genetics Tuebingen
Classification: Likely benign. Last evaluated: 2023-06-01. Review status: criteria provided, single submitter. Criteria: CeGaT Center For Human Genetics Tuebingen Variant Classification Criteria Version 2. Collection method: clinical testing. Allele origin: germline. Affected: yes. Observed: 1 variant allele.
Comment: RP1L1: PM2:Supporting, BP4, BP7

NM_178857.6(RP1L1):c.6261C>T (p.Ala2087=)

Gene: RP1L1 (RP1 like 1). Cytogenetic location: 8p23.1.
Variant type: single nucleotide variant.
Coding change: c.6261C>T on transcript NM_178857.6 (MANE Select); coding-DNA position 6261, C replaced by T.
Protein change: p.Ala2087=; no amino-acid change (alanine 2087 retained).
Molecular consequence: synonymous variant.
Genome position (GRCh38, 1-based): chr8:10,607,837, G>A on the plus strand (C>T on the coding strand, the complement: RP1L1 is on the minus strand). VCF-style: chr8-10607837-G-A. GRCh37 (hg19) VCF-style: chr8-10465347-G-A.
Identifiers: ClinVar variation 2658384 (VCV002658384.25), dbSNP rs200515334, ClinGen allele CA4623391.